The following is an entry in ClinVar:

ClinVar aggregate classification (germline): Pathogenic/Likely pathogenic. Review status: criteria provided, multiple submitters, no conflicts (2 of 4 stars). 3 submissions from 3 submitters: Pathogenic (1); Likely pathogenic (2). Last evaluated 2026-06-17.

Conditions:
PLEKHG5-related disorder. Also called: PLEKHG5-related condition.
Neuronopathy, distal hereditary motor, autosomal recessive 4. Also called: NEUROPATHY, DISTAL HEREDITARY MOTOR, AUTOSOMAL RECESSIVE 4; Autosomal recessive lower motor neuron disease with childhood onset. Identifiers: Orphanet 206580, MedGen C1970211, MONDO:0012608, OMIM 611067.
Charcot-Marie-Tooth disease recessive intermediate C. Also called: CHARCOT-MARIE-TOOTH NEUROPATHY, RECESSIVE INTERMEDIATE C. Identifiers: Orphanet 369867, MedGen C3809309, MONDO:0014154, OMIM 615376.

Submissions (3):

PreventionGenetics, part of Exact Sciences
Classification: Likely pathogenic for PLEKHG5-related condition. Last evaluated: 2026-06-17. Review status: criteria provided, single submitter. Criteria: ACMG Guidelines, 2015. Collection method: clinical testing. Allele origin: germline.
Comment: The PLEKHG5 c.2902delG variant is predicted to result in a frameshift and premature protein termination (p.Val968Serfs*16). To our knowledge, this variant has not been reported in the literature. This variant is reported in 0.0069% of alleles in individuals of Latino descent in gnomAD. Frameshift variants in PLEKHG5 are expected to be pathogenic. This variant is interpreted as likely pathogenic.

Fulgent Genetics
Classification: Likely pathogenic for Neuronopathy, distal hereditary motor, autosomal recessive 4; Charcot-Marie-Tooth disease recessive intermediate C. Last evaluated: 2024-03-28. Review status: criteria provided, single submitter. Criteria: ACMG Guidelines, 2015. Collection method: clinical testing. Allele origin: germline.

Labcorp Genetics (formerly Invitae), Labcorp
Classification: Pathogenic for Neuronopathy, distal hereditary motor, autosomal recessive 4; Charcot-Marie-Tooth disease recessive intermediate C. Last evaluated: 2022-07-19. Review status: criteria provided, single submitter. Criteria: Invitae Variant Classification Sherloc (09022015). Collection method: clinical testing. Allele origin: germline.
Comment: This sequence change creates a premature translational stop signal (p.Val968Serfs*16) in the PLEKHG5 gene. It is expected to result in an absent or disrupted protein product. Loss-of-function variants in PLEKHG5 are known to be pathogenic (PMID: 17564964, 23777631). This variant is present in population databases (rs773188120, gnomAD 0.007%). This variant has not been reported in the literature in individuals affected with PLEKHG5-related conditions. For these reasons, this variant has been classified as Pathogenic.

Literature cited by the submitters: PubMed 17564964 (cited by Labcorp Genetics (formerly Invitae), Labcorp); PubMed 23777631 (cited by Labcorp Genetics (formerly Invitae), Labcorp).

NM_020631.6(PLEKHG5):c.2902del (p.Val968fs)

Gene: PLEKHG5 (pleckstrin homology and RhoGEF domain containing G5; minus strand). Cytogenetic location: 1p36.31.
Variant type: Deletion.
Coding change: c.2902del on transcript NM_020631.6 (MANE Select); coding-DNA position 2902, one base deleted (G; older notation c.2902delG).
Protein change: p.Val968fs; shifts the reading frame from valine 968.
Molecular consequence: frameshift variant. On other transcripts: intron variant (1).
Genome position (GRCh38, 1-based): chr1:6,467,934, C deleted on the plus strand (G on the coding strand, the reverse complement: PLEKHG5 is on the minus strand); the first of 3 consecutive C bases (chr1:6,467,934-6,467,936); deleting any one gives the same sequence. VCF-style (leftmost placement, unchanged base first): chr1-6467933-AC-A. GRCh37 (hg19) VCF-style: chr1-6527993-AC-A.
Other names: c.2902delG (NM_020631.4); c.3013del, p.Val1005fs (NM_001042663.3, NM_001265592.2); c.2902del, p.Val968fs (NM_001042664.2, NM_001042665.2, NM_198681.4); c.3109del, p.Val1037fs (NM_001265593.2); c.2738-36del (NM_001265594.3); short protein forms V968fs, V1005fs, V1037fs.
Identifiers: ClinVar variation 1909611 (VCV001909611.7), dbSNP rs773188120, ClinGen allele CA561068.